The following is an entry in ClinVar:

ClinVar aggregate classification (germline): Uncertain significance (1 of 4 stars; one submission).

Conditions:
Bardet-Biedl syndrome (BBS). Identifiers: Orphanet 110, MedGen C0752166, MONDO:0015229.

gnomAD v4.1: 2 of 1,613,626 alleles (0.00012%); highest among the groups gnomAD compares: Non-Finnish European, 0.00017%; no homozygotes.

Submission:

Labcorp Genetics (formerly Invitae), Labcorp
Classification: Uncertain significance for Bardet-Biedl syndrome. Last evaluated: 2021-12-13. Review status: criteria provided, single submitter. Criteria: Invitae Variant Classification Sherloc (09022015). Collection method: clinical testing. Allele origin: germline.
Comment: This sequence change replaces isoleucine, which is neutral and non-polar, with valine, which is neutral and non-polar, at codon 116 of the BBS7 protein (p.Ile116Val). This variant is not present in population databases (gnomAD no frequency). This variant has not been reported in the literature in individuals affected with BBS7-related conditions. Algorithms developed to predict the effect of missense changes on protein structure and function output the following: SIFT: "Tolerated"; PolyPhen-2: "Benign"; Align-GVGD: "Class C0". The valine amino acid residue is found in multiple mammalian species, which suggests that this missense change does not adversely affect protein function. Algorithms developed to predict the effect of sequence changes on RNA splicing suggest that this variant may create or strengthen a splice site. In summary, the available evidence is currently insufficient to determine the role of this variant in disease. Therefore, it has been classified as a Variant of Uncertain Significance.

NM_176824.3(BBS7):c.346A>G (p.Ile116Val)

Gene: BBS7 (Bardet-Biedl syndrome 7; minus strand). Cytogenetic location: 4q27.
Variant type: single nucleotide variant.
Coding change: c.346A>G on transcript NM_176824.3 (MANE Select); coding-DNA position 346, A replaced by G.
Protein change: p.Ile116Val; replaces isoleucine 116 with valine.
Molecular consequence: missense variant.
Genome position (GRCh38, 1-based): chr4:121,859,174, T>C on the plus strand (A>G on the coding strand, the complement: BBS7 is on the minus strand). VCF-style: chr4-121859174-T-C. GRCh37 (hg19) VCF-style: chr4-122780329-T-C.
Other names: c.346A>G, p.Ile116Val (NM_018190.4); short protein forms I116V.
Identifiers: ClinVar variation 1440220 (VCV001440220.3), dbSNP rs2149085075, ClinGen allele CA358043499.